The following is an entry in ClinVar:

ClinVar aggregate classification (germline): Benign/Likely benign. Review status: criteria provided, multiple submitters, no conflicts (2 of 4 stars). 3 submissions from 3 submitters: Benign (2); Likely benign (1). Last evaluated 2026-09-01.

Allele frequency attached by ClinVar (database versions not stated): 1000 Genomes Project 30x 0.00531; 1000 Genomes Project 0.00539; TOPMed 0.00746; ESP Exome Variant Server 0.00777; gnomAD exomes 0.00941; ExAC 0.00967.
gnomAD v4.1: 13,900 of 1,613,788 alleles (0.86%); highest among the groups gnomAD compares: Middle Eastern, 2.8%; 97 homozygotes.

Submissions (3):

CeGaT Center for Human Genetics Tuebingen
Classification: Likely benign. Last evaluated: 2026-09-01. Review status: criteria provided, single submitter. Criteria: CeGaT Center For Human Genetics Tuebingen Variant Classification Criteria Version 2. Collection method: clinical testing. Allele origin: germline. Affected: yes. Observed: 18 variant alleles.
Comment: SRRM2: BP4, BP7, BS2

Labcorp Genetics (formerly Invitae), Labcorp
Classification: Benign. Last evaluated: 2019-12-31. Review status: criteria provided, single submitter. Criteria: Invitae Variant Classification Sherloc (09022015). Collection method: clinical testing. Allele origin: germline.

Breakthrough Genomics
Classification: Benign. Review status: criteria provided, single submitter. Criteria: ACMG Guidelines, 2015. Collection method: not provided. Allele origin: germline. Inheritance: Unknown mechanism. Affected: yes.

NM_016333.4(SRRM2):c.1953C>T (p.Thr651=)

Gene: SRRM2 (serine/arginine repetitive matrix 2; plus strand). Cytogenetic location: 16p13.3.
Variant type: single nucleotide variant.
Coding change: c.1953C>T on transcript NM_016333.4 (MANE Select); coding-DNA position 1953, C replaced by T.
Protein change: p.Thr651=; no amino-acid change (threonine 651 retained).
Molecular consequence: synonymous variant.
Genome position (GRCh38, 1-based): chr16:2,762,481, C>T. VCF-style: chr16-2762481-C-T. GRCh37 (hg19) VCF-style: chr16-2812482-C-T.
Identifiers: ClinVar variation 718040 (VCV000718040.27), dbSNP rs79910471, ClinGen allele CA7847425.